The following is an entry in ClinVar:

ClinVar aggregate classification (germline): Uncertain significance (1 of 4 stars; one submission).

Conditions:
TGFBR2-related disorder. Also called: TGFBR2-related condition.

Submission:

PreventionGenetics, part of Exact Sciences
Classification: Uncertain significance for TGFBR2-related condition. Last evaluated: 2024-11-09. Review status: criteria provided, single submitter. Criteria: ACMG Guidelines, 2015. Collection method: clinical testing. Allele origin: germline.
Comment: The TGFBR2 c.1135G>T variant is predicted to result in the amino acid substitution p.Asp379Tyr. To our knowledge, this variant has not been reported in the literature or in a large population database (gnomAD), indicating this variant is rare. At this time, the clinical significance of this variant is uncertain due to the absence of conclusive functional and genetic evidence.

NM_003242.6(TGFBR2):c.1135G>T (p.Asp379Tyr)

Gene: TGFBR2 (transforming growth factor beta receptor 2; plus strand). Cytogenetic location: 3p24.1.
Variant type: single nucleotide variant.
Coding change: c.1135G>T on transcript NM_003242.6 (MANE Select); coding-DNA position 1135, G replaced by T.
Protein change: p.Asp379Tyr; replaces aspartic acid 379 with tyrosine.
Molecular consequence: missense variant. On other transcripts: intron variant (1).
Genome position (GRCh38, 1-based): chr3:30,672,318, G>T. VCF-style: chr3-30672318-G-T. GRCh37 (hg19) VCF-style: chr3-30713810-G-T.
Other names: c.1210G>T, p.Asp404Tyr (NM_001024847.3); c.1318G>T, p.Asp440Tyr (NM_001407126.1); c.1243G>T, p.Asp415Tyr (NM_001407127.1); c.1162G>T, p.Asp388Tyr (NM_001407128.1); c.1138G>T, p.Asp380Tyr (NM_001407129.1); c.1135G>T, p.Asp379Tyr (NM_001407130.1); c.1030G>T, p.Asp344Tyr (NM_001407132.1, NM_001407133.1, NM_001407134.1 and 2 more transcripts); c.850G>T, p.Asp284Tyr (NM_001407137.1); and 2 more; short protein forms D284Y, D415Y, D379Y, D440Y, D404Y, D259Y, D344Y, D380Y.
Identifiers: ClinVar variation 4983592 (VCV004983592.1).